The following is an entry in ClinVar:

NM_173354.5(SIK1):c.1670G>T (p.Gly557Val)

Gene: SIK1 (salt inducible kinase 1; minus strand). Cytogenetic location: 21q22.3.
Variant type: single nucleotide variant.
Coding change: c.1670G>T on transcript NM_173354.5 (MANE Select); coding-DNA position 1670, G replaced by T.
Protein change: p.Gly557Val; replaces glycine 557 with valine.
Molecular consequence: missense variant.
Genome position (GRCh38, 1-based): chr21:43,418,334, C>A on the plus strand (G>T on the coding strand, the complement: SIK1 is on the minus strand). VCF-style: chr21-43418334-C-A. GRCh37 (hg19) VCF-style: chr21-44838214-C-A.
Other names: short protein forms G557V.
Identifiers: ClinVar variation 2662519 (VCV002662519.2), dbSNP rs372101645, ClinGen allele CA321325347.
Genomic context (GRCh38, chr21:43,418,334, plus strand): 5'-GTGTCCGACGCCCGCCGTCCCTCCTGGAAGCTGACAGGGAGCAGAACAGCTCCTCCCAAG[C>A]CCCCCTGAGCCTGCAGCACTGGGGTGGCGGACTGCGACCCCAGGAAGGGCGAGGCCAGCC-3'
Protein context (NP_775490.2, residues 547-567): SATPVLQAQG[Gly557Val]LGGAVLLPVS

ClinVar aggregate classification (germline): Uncertain significance (1 of 4 stars; one submission).

Submission:

GeneDx
Classification: Uncertain significance. Last evaluated: 2026-01-23. Review status: criteria provided, single submitter. Criteria: GeneDx Variant Classification Process June 2021. Collection method: clinical testing. Allele origin: germline.
Comment: Not observed at significant frequency in large population cohorts (gnomAD); In silico analysis suggests that this missense variant does not alter protein structure/function; Has not been previously published as pathogenic or benign to our knowledge; Variants in candidate genes are classified as variants of uncertain significance in accordance with ACMG guidelines (PMID: 25741868)